The following is an entry in ClinVar:

NM_001384732.1(CPLANE1):c.7738_7739del (p.Leu2580fs)

Gene: CPLANE1 (ciliogenesis and planar polarity effector complex subunit 1; minus strand). Cytogenetic location: 5p13.2.
Variant type: Deletion.
Coding change: c.7738_7739del on transcript NM_001384732.1 (MANE Select); coding-DNA positions 7738 to 7739, 2 bases deleted (CT; older notation c.7738_7739delCT).
Protein change: p.Leu2580fs; shifts the reading frame from leucine 2580.
Molecular consequence: frameshift variant.
Genome position (GRCh38, 1-based): chr5:37,158,297-37,158,298, AG deleted on the plus strand (CT on the coding strand, the reverse complement: CPLANE1 is on the minus strand); deleting any 2 consecutive bases within chr5:37,158,297-37,158,299 gives the same sequence; the c. name uses the placement nearest the transcript's 3' end. VCF-style (leftmost placement, unchanged base first): chr5-37158296-TAG-T. GRCh37 (hg19) VCF-style: chr5-37158398-TAG-T.
Other names: c.7738_7739del, p.Leu2580fs (NM_023073.4); short protein forms L2580fs.
Identifiers: ClinVar variation 2834236 (VCV002834236.3), dbSNP rs2547380034, ClinGen allele CA2739274664.

ClinVar aggregate classification (germline): Pathogenic (1 of 4 stars; one submission).

Submission:

Labcorp Genetics (formerly Invitae), Labcorp
Classification: Pathogenic. Last evaluated: 2023-08-04. Review status: criteria provided, single submitter. Criteria: Invitae Variant Classification Sherloc (09022015). Collection method: clinical testing. Allele origin: germline.
Comment: For these reasons, this variant has been classified as Pathogenic. This variant has not been reported in the literature in individuals affected with CPLANE1-related conditions. This variant is not present in population databases (gnomAD no frequency). This sequence change creates a premature translational stop signal (p.Leu2580Lysfs*7) in the CPLANE1 gene. It is expected to result in an absent or disrupted protein product. Loss-of-function variants in CPLANE1 are known to be pathogenic (PMID: 24178751, 26092869).

Literature cited by the submitters: PubMed 24178751; PubMed 26092869.